The following is an entry in ClinVar:

ClinVar aggregate classification (germline): Uncertain significance. Review status: criteria provided, multiple submitters, no conflicts (2 of 4 stars). 2 submissions from 2 submitters: Uncertain significance (2). Last evaluated 2026-04-29.

Conditions:
Familial melanoma. Also called: Hereditary melanoma; Hereditary cutaneous melanoma. Identifiers: Orphanet 618, MedGen C1512419, MONDO:0018961.
Hereditary cancer-predisposing syndrome. Also called: Tumor predisposition; Hereditary neoplastic syndrome; Hereditary Cancer Syndrome; Neoplastic Syndromes, Hereditary. Identifiers: Orphanet 140162, MedGen C0027672, MeSH D009386, MONDO:0015356.

Submissions (2):

Ambry Genetics
Classification: Uncertain significance for Hereditary cancer-predisposing syndrome. Last evaluated: 2026-04-29. Review status: criteria provided, single submitter. Criteria: Ambry Variant Classification Scheme 2023. Collection method: clinical testing. Allele origin: germline.
Comment: The c.460delA variant, located in coding exon 3 of the CDKN2A gene, results from a deletion of one nucleotide at nucleotide position 460, causing a translational frameshift with a predicted alternate stop codon (p.I154Sfs*39). This variant occurs at the 3' terminus of the gene, is not expected to trigger nonsense-mediated mRNAdecay and results in the elongation of the protein by 35 amino acids. This frameshift impacts the last 3amino acids of the native protein. The exact functional effect of the altered amino acids is unknown. Based on the available evidence, the clinical significance of this variant remains unclear.

Labcorp Genetics (formerly Invitae), Labcorp
Classification: Uncertain significance for Familial melanoma. Last evaluated: 2022-03-15. Review status: criteria provided, single submitter. Criteria: Invitae Variant Classification Sherloc (09022015). Collection method: clinical testing. Allele origin: germline.
Comment: This variant has not been reported in the literature in individuals affected with CDKN2A (p16INK4a)-related conditions. This variant is not present in population databases (gnomAD no frequency). This sequence change results in a frameshift in the CDKN2A (p16INK4a) gene (p.Ile154Serfs*39). While this is not anticipated to result in nonsense mediated decay, it is expected to disrupt the last 3 amino acid(s) of the CDKN2A (p16INK4a) protein and extend the protein by 35 additional amino acid residues. In summary, the available evidence is currently insufficient to determine the role of this variant in disease. Therefore, it has been classified as a Variant of Uncertain Significance.

NM_000077.5(CDKN2A):c.460del (p.Ile154fs)

Gene: CDKN2A (cyclin dependent kinase inhibitor 2A; minus strand). Cytogenetic location: 9p21.3.
Variant type: Deletion.
Coding change: c.460del on transcript NM_000077.5; coding-DNA position 460, one base deleted (A; older notation c.460delA).
Protein change: p.Ile154fs; shifts the reading frame from isoleucine 154.
Molecular consequence: frameshift variant (on NM_000077.6). On other transcripts: 3 prime UTR variant (3).
Genome position (GRCh38, 1-based): chr9:21,968,240, T deleted on the plus strand (A on the coding strand, the reverse complement: CDKN2A is on the minus strand). VCF-style (leftmost placement, unchanged base first): chr9-21968239-AT-A. GRCh37 (hg19) VCF-style: chr9-21968238-AT-A.
Other names: c.460delA, p.Ile154Serfs (NM_000077.6); c.*153del (NM_001195132.2); c.307del, p.Ile103fs (NM_001363763.2); c.*104del (NM_058195.4); c.*383del (NM_058197.5); short protein forms I103fs, I154fs.
Identifiers: ClinVar variation 1494170 (VCV001494170.9), dbSNP rs2131079518, ClinGen allele CA2573143726.